The following is an entry in ClinVar:

NM_000138.5(FBN1):c.7754T>C (p.Ile2585Thr)

Gene: FBN1 (fibrillin 1; minus strand). Cytogenetic location: 15q21.1.
Variant type: single nucleotide variant.
Coding change: c.7754T>C on transcript NM_000138.5 (MANE Select); coding-DNA position 7754, T replaced by C.
Protein change: p.Ile2585Thr; replaces isoleucine 2585 with threonine.
Molecular consequence: missense variant.
Genome position (GRCh38, 1-based): chr15:48,420,752, A>G on the plus strand (T>C on the coding strand, the complement: FBN1 is on the minus strand). VCF-style: chr15-48420752-A-G. GRCh37 (hg19) VCF-style: chr15-48712949-A-G.
Other names: p.I2585T:ATT>ACT; short protein forms I2585T.
Identifiers: ClinVar variation 163462 (VCV000163462.103), dbSNP rs727503054, ClinGen allele CA017354.
Genomic context (GRCh38, chr15:48,420,752, plus strand): 5'-CACTGGTTCCACTGGTAGTGCTGGAGGTAGCCCTGGGGGCAGCTGCACCTGTAGCCCCCA[A>G]TGATGTTCTGGCAGCCATGCTGGCAGCGGTGGTTACCCTCACACTCGTCCACGTCTGAAA-3'
Protein context (NP_000129.3, residues 2575-2595): HRCQHGCQNI[Ile2585Thr]GGYRCSCPQG

ClinVar aggregate classification (germline): Pathogenic/Likely pathogenic. Review status: criteria provided, multiple submitters, no conflicts (2 of 4 stars). 32 submissions from 32 submitters: Pathogenic (24); Likely pathogenic (3). 5 of the submissions do not count toward it. Last evaluated 2026-03-10.

Conditions:
Marfan syndrome (MFS). Also called: Marfan syndrome, classic; FBN1-Related Marfan Syndrome; Marfan syndrome type 1; Marfan's syndrome; MARFAN SYNDROME, TYPE I. Identifiers: Orphanet 284963, Orphanet 558, MedGen C0024796, MONDO:0007947, OMIM 154700.
Familial thoracic aortic aneurysm and aortic dissection (TAAD). Also called: Thoracic aortic aneurysms and dissections. Identifiers: Orphanet 91387, MedGen C4707243, MONDO:0019625.
FBN1-related disorder. Also called: FBN1-related disorders.
Thoracic aortic aneurysm or dissection.
Aortic aneurysm. Also called: Aortic aneurysm (disease). Identifiers: MedGen C0003486, MONDO:0005160, HP:0004942.
High myopia. Also called: Severe Myopia. Identifiers: MedGen C0271183, HP:0011003.
Joint hypermobility. Also called: Joint hyperflexibility. Identifiers: MedGen C1862377, HP:0001382.
Scoliosis. Identifiers: MedGen C0036439, MONDO:0005392, HP:0002650.
Tall stature. Identifiers: MedGen C0241240, HP:0000098.
Ascending tubular aorta aneurysm. Also called: Ascending aortic dilation; Dilatation of the ascending aorta; Ascending aortic aneurysm. Identifiers: MedGen C0856747, HP:0004970.
Connective tissue dysplasia.
Ectopia lentis 1, isolated, autosomal dominant (ECTOL1). Identifiers: Orphanet 1885, MedGen C3541518, MONDO:0007514, OMIM 129600.
Weill-Marchesani syndrome 2, dominant. Also called: Weill-Marchesani Syndrome, Autosomal Dominant; FBN1-Related Weill-Marchesani Syndrome. Identifiers: Orphanet 2084, MedGen C1869115, MONDO:0012013, OMIM 608328.
Progeroid and marfanoid aspect-lipodystrophy syndrome. Also called: MARFANOID-PROGEROID-LIPODYSTROPHY SYNDROME; MARFANOID-PROGEROID SYNDROME; MARFAN-PROGEROID-LIPODYSTROPHY SYNDROME; Marfan lipodystrophy syndrome. Identifiers: Orphanet 300382, MedGen C4310796, MONDO:0014831, OMIM 616914.
Acromicric dysplasia (ACMICD). Also called: Acromicric skeletal dysplasia. Identifiers: Orphanet 969, MedGen C0265287, MONDO:0007055, OMIM 102370.
MASS syndrome (OCTD). Also called: OVERLAP CONNECTIVE TISSUE DISEASE; MASS PHENOTYPE. Identifiers: MedGen C1858556, MONDO:0011431, OMIM 604308.
Stiff skin syndrome (SSKS). Identifiers: Orphanet 2833, MedGen C1861456, MONDO:0008492, OMIM 184900.
Geleophysic dysplasia 2 (GPHYSD2). Identifiers: Orphanet 2623, MedGen C3280054, MONDO:0013612, OMIM 614185.
Marfan Syndrome/Loeys-Dietz Syndrome/Familial Thoracic Aortic Aneurysms and Dissections. Identifiers: MedGen CN229799.

Allele frequency attached by ClinVar (database versions not stated): gnomAD exomes 0.00001 and 0.00002.
gnomAD v4.1: 11 of 1,614,106 alleles (0.00068%); highest among the groups gnomAD compares: South Asian, 0.0022%; no homozygotes.

Submissions 1 to 7 of 32:

Clinical Biomedical Laboratory, Shriners Hospital For Children - Canada
Classification: Pathogenic for Marfan syndrome. Last evaluated: 2026-03-10. Review status: criteria provided, single submitter. Criteria: ACMG Guidelines, 2015. Collection method: clinical testing. Allele origin: germline. Affected: yes.
Comment: This variant is present in the Genome Aggregation Database at a very low frequency. This variant has been reported in the literature in individuals with a diagnosis of Marfan syndrome (PMID: 20301510, 31950671). Computational tools: (REVEL 0.64) suggest an uncertain effect on the protein. Based on the ACMG variant interpretation guidelines, the available evidence supports classification of this variant as pathogenic.

Dasa
Classification: Pathogenic. Last evaluated: 2026-02-27. Review status: criteria provided, single submitter. Criteria: DASA Assertion Criteria. Collection method: clinical testing. Allele origin: germline.
Comment: NM_000138.5(FBN1):c.7754T>C (p.Ile2585Thr) is a missense variant that results in the substitution of isoleucine with threonine. De novo occurrence has been reported in an individual with related phenotype. Segregation evidence has been reported in affected families. This variant has been recurrently observed in individuals with related phenotype (PMID: 27724990; PMID: 24833718; PMID: 11700157; PMID: 10464652; PMID: 19293843). The variant is present at low frequency in population datasets. Based on the available data, this variant is classified as pathogenic.

Labcorp Genetics (formerly Invitae), Labcorp
Classification: Pathogenic for Marfan syndrome; Familial thoracic aortic aneurysm and aortic dissection. Last evaluated: 2026-01-26. Review status: criteria provided, single submitter. Criteria: Invitae Variant Classification Sherloc (09022015). Collection method: clinical testing. Allele origin: germline.
Comment: This sequence change replaces isoleucine, which is neutral and non-polar, with threonine, which is neutral and polar, at codon 2585 of the FBN1 protein (p.Ile2585Thr). This variant is present in population databases (rs727503054, gnomAD 0.003%). This missense change has been observed in individual(s) with Marfan syndrome and a FBN1-related disease (PMID: 10464652, 11700157, 14695540, 17657824, 19293843, 24833718, 26333736; internal data). In at least one individual the variant was observed to be de novo. ClinVar contains an entry for this variant (Variation ID: 163462). Invitae Evidence Modeling of protein sequence and biophysical properties (such as structural, functional, and spatial information, amino acid conservation, physicochemical variation, residue mobility, and thermodynamic stability) has been performed for this missense variant. However, the output from this modeling did not meet the statistical confidence thresholds required to predict the impact of this variant on FBN1 protein function. For these reasons, this variant has been classified as Pathogenic.

Color Diagnostics, LLC DBA Color Health
Classification: Pathogenic for Familial thoracic aortic aneurysm and aortic dissection. Last evaluated: 2025-10-03. Review status: criteria provided, single submitter. Criteria: ACMG Guidelines, 2015. Collection method: clinical testing. Allele origin: germline.
Comment: This missense variant replaces isoleucine with threonine at codon 2585 in the EGF-like calcium-binding domain of the FBN1 protein. Computational prediction is inconclusive regarding the impact of this variant on protein structure and function. To our knowledge, functional studies have not been reported for this variant. This variant has been reported in many individuals affected with Marfan syndrome (PMID: 19293843, 24161884, 24833718, 25907466, 26333736, 27146836, 31751304, 32679894) and in individuals affected with thoracic aortic aneurysm and aortic dissection (PMID: 28855619, 30675029, 30739908, 34498425), including two individuals where the variant was observed to be de novo (PMID: 29357934, 34498425). This variant has been shown to segregate with disease in three families (PMID: 27146836, 27724990, 31751304). In one family, six carriers across three generations showed remarkable variability in clinical features, ranging from isolated scoliosis, aneurysm of the abdominal aorta, thoracic aortic aneurysm and aortic dissection through Marfan syndrome (PMID: 27146836). This variant has been identified in 11/1461798 chromosomes in the general population by the Genome Aggregation Database (gnomAD). Based on the available evidence, this variant is classified as Pathogenic.

Ambry Genetics
Classification: Pathogenic for Familial thoracic aortic aneurysm and aortic dissection. Last evaluated: 2025-08-06. Review status: criteria provided, single submitter. Criteria: Ambry Variant Classification Scheme 2023. Collection method: clinical testing. Allele origin: germline.
Comment: The c.7754T>C (p.I2585T) alteration is located in exon 63 (coding exon 62) of the FBN1 gene. This alteration results from a T to C substitution at nucleotide position 7754, causing the isoleucine (I) at amino acid position 2585 to be replaced by a threonine (T). Based on data from gnomAD, the C allele has an overall frequency of 0.002% (4/250918) total alleles studied. The highest observed frequency was 0.003% (1/30616) of South Asian alleles. This variant was reported in individuals with features consistent with Marfan syndrome and related fibrillinopathies; in at least one individual, it was determined to be de novo [or the result of germline mosaicism] (Loeys, 2001, Biggin, 2004, S&ouml;ylen, 2009, Yang, 2016, Poninska, 2016). This amino acid position is not well conserved in available vertebrate species. This alteration is predicted to be deleterious by in silico analysis. Based on the available evidence, this alteration is classified as pathogenic.

NHS Central & South Genomic Laboratory Hub
Classification: Pathogenic for Thoracic aortic aneurysm or dissection. Last evaluated: 2024-11-11. Review status: criteria provided, single submitter. Criteria: ACMG Guidelines, 2015. Collection method: clinical testing. Allele origin: germline. Affected: yes.

Blueprint Genetics
Classification: Pathogenic for FBN1-related disorders. Last evaluated: 2024-05-20. Review status: criteria provided, single submitter. Criteria: ACMG Guidelines, 2015. Collection method: clinical testing. Allele origin: germline. Affected: yes. Observed: 5 variant alleles.